The following is an entry in ClinVar:

ClinVar aggregate classification (germline): Conflicting classifications of pathogenicity. Review status: criteria provided, conflicting classifications (1 of 4 stars). 5 submissions from 5 submitters: Uncertain significance (4); Likely benign (1). Last evaluated 2025-11-17.

Conditions:
RECQL4-related disorder. Also called: RECQL4-related disorders; RECQL4-related condition.
Inborn genetic diseases. Identifiers: MedGen C0950123, MeSH D030342.
Hereditary cancer-predisposing syndrome. Also called: Neoplastic Syndromes, Hereditary; Tumor predisposition; Hereditary Cancer Syndrome; Hereditary neoplastic syndrome. Identifiers: Orphanet 140162, MedGen C0027672, MeSH D009386, MONDO:0015356.
Baller-Gerold syndrome (BGS). Also called: CRANIOSYNOSTOSIS WITH RADIAL DEFECTS. Identifiers: Orphanet 1225, MedGen C0265308, MONDO:0009039, OMIM 218600.

Allele frequency attached by ClinVar (database versions not stated): ESP Exome Variant Server 0.00008; gnomAD 0.00031 and 0.00032; TOPMed 0.00036; 1000 Genomes Project 0.00140; 1000 Genomes Project 30x 0.00141.
gnomAD v4.1: 86 of 1,522,538 alleles (0.0056%); highest among the groups gnomAD compares: African/African-American, 0.09%; no homozygotes.

Submissions (5):

Labcorp Genetics (formerly Invitae), Labcorp
Classification: Likely benign for Baller-Gerold syndrome. Last evaluated: 2025-11-17. Review status: criteria provided, single submitter. Criteria: Invitae Variant Classification Sherloc (09022015). Collection method: clinical testing. Allele origin: germline.

Ambry Genetics
Classification: Uncertain significance for Inborn genetic diseases. Last evaluated: 2025-03-22. Review status: criteria provided, single submitter. Criteria: Ambry Variant Classification Scheme 2023. Collection method: clinical testing. Allele origin: germline.
Comment: The p.L825V variant (also known as c.2473C>G), located in coding exon 15 of the RECQL4 gene, results from a C to G substitution at nucleotide position 2473. The leucine at codon 825 is replaced by valine, an amino acid with highly similar properties. This amino acid position is conserved. In addition, the in silico prediction for this alteration is inconclusive. Based on the available evidence, the clinical significance of this variant remains unclear.

PreventionGenetics, part of Exact Sciences
Classification: Uncertain significance for RECQL4-related condition. Last evaluated: 2025-03-13. Review status: criteria provided, single submitter. Criteria: ACMG Guidelines, 2015. Collection method: clinical testing. Allele origin: germline.
Comment: The RECQL4 c.2473C>G variant is predicted to result in the amino acid substitution p.Leu825Val. To our knowledge, this variant has not been reported in the literature. This variant is reported in 0.10% of alleles in individuals of African descent in gnomAD and has conflicting interpretations regarding its pathogenicity in ClinVar, ranging from likely benign to uncertain. Although we suspect that this variant may be benign, at this time, the clinical significance of this variant is uncertain due to the absence of conclusive functional and genetic evidence.

GeneDx
Classification: Uncertain significance. Last evaluated: 2024-12-23. Review status: criteria provided, single submitter. Criteria: GeneDx Variant Classification Process June 2021. Collection method: clinical testing. Allele origin: germline. Affected: yes.
Comment: In silico analysis indicates that this missense variant does not alter protein structure/function; Has not been previously published as pathogenic or benign to our knowledge

Sema4
Classification: Uncertain significance for Hereditary cancer-predisposing syndrome. Last evaluated: 2021-08-25. Review status: criteria provided, single submitter. Criteria: Sema4 Curation Guidelines. Collection method: curation. Allele origin: germline.
Comment: The RECQL4 c.2473C>G (p.L825V) variant has not been reported in the literature to our knowledge. It was observed in 22/22002 chromosomes of the African/African American subpopulation, with no homozygotes, in the large and broad cohorts of the Genome Aggregation Database (PMID: 32461654). The variant has been reported in ClinVar (Variation ID 406979). Functional studies have not been performed, and in silico predictions of the variant's effect on protein function are inconclusive. The evidence is insufficient to meet ACMG/AMP criteria for classifying the variant as benign or pathogenic. Thus, the clinical significance of this variant is currently uncertain.

NM_004260.4(RECQL4):c.2473C>G (p.Leu825Val)

Gene: RECQL4 (RecQ like helicase 4; minus strand). Cytogenetic location: 8q24.3.
Variant type: single nucleotide variant.
Coding change: c.2473C>G on transcript NM_004260.4 (MANE Select); coding-DNA position 2473, C replaced by G.
Protein change: p.Leu825Val; replaces leucine 825 with valine.
Molecular consequence: missense variant.
Genome position (GRCh38, 1-based): chr8:144,513,129, G>C on the plus strand (C>G on the coding strand, the complement: RECQL4 is on the minus strand). VCF-style: chr8-144513129-G-C. GRCh37 (hg19) VCF-style: chr8-145738512-G-C.
Other names: short protein forms L825V.
Identifiers: ClinVar variation 406979 (VCV000406979.16), dbSNP rs371519199, ClinGen allele CA4948225.